The following is an entry in ClinVar:

ClinVar aggregate classification (germline): Uncertain significance (1 of 4 stars; one submission).

Allele frequency attached by ClinVar (database versions not stated): gnomAD exomes below 0.00001; ExAC 0.00001.
gnomAD v4.1: 6 of 1,599,682 alleles (0.00038%); highest among the groups gnomAD compares: Non-Finnish European, 0.00051%; no homozygotes.

Submission:

Labcorp Genetics (formerly Invitae), Labcorp
Classification: Uncertain significance. Last evaluated: 2023-04-28. Review status: criteria provided, single submitter. Criteria: Invitae Variant Classification Sherloc (09022015). Collection method: clinical testing. Allele origin: germline.
Comment: This sequence change replaces phenylalanine, which is neutral and non-polar, with serine, which is neutral and polar, at codon 187 of the RNF13 protein (p.Phe187Ser). This variant is not present in population databases (gnomAD no frequency). In summary, the available evidence is currently insufficient to determine the role of this variant in disease. Therefore, it has been classified as a Variant of Uncertain Significance. Advanced modeling of protein sequence and biophysical properties (such as structural, functional, and spatial information, amino acid conservation, physicochemical variation, residue mobility, and thermodynamic stability) has been performed at Invitae for this missense variant, however the output from this modeling did not meet the statistical confidence thresholds required to predict the impact of this variant on RNF13 protein function. This variant has not been reported in the literature in individuals affected with RNF13-related conditions.

NM_183381.3(RNF13):c.560T>C (p.Phe187Ser)

Gene: RNF13 (ring finger protein 13; plus strand). Cytogenetic location: 3q25.1.
Variant type: single nucleotide variant.
Coding change: c.560T>C on transcript NM_183381.3 (MANE Select); coding-DNA position 560, T replaced by C.
Protein change: p.Phe187Ser; replaces phenylalanine 187 with serine.
Molecular consequence: missense variant. On other transcripts: non-coding transcript variant (1).
Genome position (GRCh38, 1-based): chr3:149,912,037, T>C. VCF-style: chr3-149912037-T-C. GRCh37 (hg19) VCF-style: chr3-149629824-T-C.
Other names: c.560T>C, p.Phe187Ser (NM_001378285.1, NM_001378286.1, NM_007282.4); c.203T>C, p.Phe68Ser (NM_001378287.1, NM_001378288.1, NM_001378289.1 and 2 more transcripts); c.167T>C, p.Phe56Ser (NM_001378291.1); short protein forms F56S, F68S, F187S.
Identifiers: ClinVar variation 2846613 (VCV002846613.3), dbSNP rs761601970, ClinGen allele CA2663028.